The following is an entry in ClinVar:

ClinVar aggregate classification (germline): Uncertain significance. Review status: criteria provided, multiple submitters, no conflicts (2 of 4 stars). 4 submissions from 4 submitters: Uncertain significance (4). Last evaluated 2026-08-21.

Conditions:
Bardet-Biedl syndrome (BBS). Identifiers: Orphanet 110, MedGen C0752166, MONDO:0015229.
Bardet-Biedl syndrome 9 (BBS9). Identifiers: Orphanet 110, MedGen C1859567, MONDO:0014437, OMIM 615986.
BBS9-related disorder. Also called: BBS9-related condition.

Allele frequency attached by ClinVar (database versions not stated): gnomAD exomes 0.00003 and 0.00005; ExAC 0.00004; gnomAD 0.00005; TOPMed 0.00010.
gnomAD v4.1: 53 of 1,614,012 alleles (0.0033%); highest among the groups gnomAD compares: East Asian, 0.042%; no homozygotes.

Submissions (4):

PreventionGenetics, part of Exact Sciences
Classification: Uncertain significance for BBS9-related condition. Last evaluated: 2026-08-21. Review status: criteria provided, single submitter. Criteria: ACMG Guidelines, 2015. Collection method: clinical testing. Allele origin: germline.
Comment: The BBS9 c.2449G>A variant is predicted to result in the amino acid substitution p.Asp817Asn. To our knowledge, this variant has not been reported in the literature. This variant is reported in 0.022% of alleles in individuals of East Asian descent in gnomAD. At this time, the clinical significance of this variant is uncertain due to the absence of conclusive functional and genetic evidence.

Labcorp Genetics (formerly Invitae), Labcorp
Classification: Uncertain significance for Bardet-Biedl syndrome. Last evaluated: 2022-10-13. Review status: criteria provided, single submitter. Criteria: Invitae Variant Classification Sherloc (09022015). Collection method: clinical testing. Allele origin: germline.
Comment: This sequence change replaces aspartic acid, which is acidic and polar, with asparagine, which is neutral and polar, at codon 817 of the BBS9 protein (p.Asp817Asn). This variant is present in population databases (rs781476538, gnomAD 0.02%). This variant has not been reported in the literature in individuals affected with BBS9-related conditions. ClinVar contains an entry for this variant (Variation ID: 1036775). Advanced modeling of protein sequence and biophysical properties (such as structural, functional, and spatial information, amino acid conservation, physicochemical variation, residue mobility, and thermodynamic stability) performed at Invitae indicates that this missense variant is expected to disrupt BBS9 protein function. In summary, the available evidence is currently insufficient to determine the role of this variant in disease. Therefore, it has been classified as a Variant of Uncertain Significance.

Blueprint Genetics
Classification: Uncertain significance. Last evaluated: 2022-09-05. Review status: criteria provided, single submitter. Criteria: ACMG Guidelines, 2015. Collection method: clinical testing. Allele origin: germline.

Fulgent Genetics
Classification: Uncertain significance for Bardet-Biedl syndrome 9. Last evaluated: 2021-08-24. Review status: criteria provided, single submitter. Criteria: ACMG Guidelines, 2015. Collection method: clinical testing. Allele origin: unknown.

NM_198428.3(BBS9):c.2449G>A (p.Asp817Asn)

Gene: BBS9 (Bardet-Biedl syndrome 9; plus strand). Cytogenetic location: 7p14.3.
Variant type: single nucleotide variant.
Coding change: c.2449G>A on transcript NM_198428.3 (MANE Select); coding-DNA position 2449, G replaced by A.
Protein change: p.Asp817Asn; replaces aspartic acid 817 with asparagine.
Molecular consequence: missense variant. On other transcripts: non-coding transcript variant (3).
Genome position (GRCh38, 1-based): chr7:33,534,104, G>A. VCF-style: chr7-33534104-G-A. GRCh37 (hg19) VCF-style: chr7-33573716-G-A.
Other names: c.2449G>A (NM_198428.2); c.2344G>A, p.Asp782Asn (NM_001033604.2); c.2434G>A, p.Asp812Asn (NM_001033605.2); c.2449G>A, p.Asp817Asn (NM_001348036.1, NM_001348041.4, NM_001348043.3 and 1 more transcripts); c.1900G>A, p.Asp634Asn (NM_001348037.3); c.2176G>A, p.Asp726Asn (NM_001348038.3); c.2071G>A, p.Asp691Asn (NM_001348039.3); c.2329G>A, p.Asp777Asn (NM_001348040.3, NM_014451.4); and 3 more; short protein forms D817N, D660N, D726N, D772N, D634N, D691N, D695N, D777N.
Identifiers: ClinVar variation 1036775 (VCV001036775.9), dbSNP rs781476538, ClinGen allele CA4214685.